The following is an entry in ClinVar:

ClinVar aggregate classification (germline): Uncertain significance (1 of 4 stars; one submission).

Conditions:
Joubert syndrome 21 (JBTS21). Identifiers: MedGen C3810212, MONDO:0014288, OMIM 615636.

Allele frequency attached by ClinVar (database versions not stated): gnomAD exomes below 0.00001.
gnomAD v4.1: 1 of 1,614,042 alleles (0.000062%); highest among the groups gnomAD compares: South Asian, 0.0011%; no homozygotes.

Submission:

Labcorp Genetics (formerly Invitae), Labcorp
Classification: Uncertain significance for Joubert syndrome 21. Last evaluated: 2020-10-10. Review status: criteria provided, single submitter. Criteria: Invitae Variant Classification Sherloc (09022015). Collection method: clinical testing. Allele origin: germline.
Comment: This variant has not been reported in the literature in individuals with CSPP1-related conditions. Algorithms developed to predict the effect of missense changes on protein structure and function (SIFT, PolyPhen-2, Align-GVGD) all suggest that this variant is likely to be tolerated, but these predictions have not been confirmed by published functional studies and their clinical significance is uncertain. In summary, the available evidence is currently insufficient to determine the role of this variant in disease. Therefore, it has been classified as a Variant of Uncertain Significance. This variant is not present in population databases (ExAC no frequency). This sequence change replaces aspartic acid with glycine at codon 275 of the CSPP1 protein (p.Asp275Gly). The aspartic acid residue is weakly conserved and there is a moderate physicochemical difference between aspartic acid and glycine.

NM_001382391.1(CSPP1):c.797A>G (p.Asp266Gly)

Gene: CSPP1 (centrosome and spindle pole associated protein 1; plus strand). Cytogenetic location: 8q13.1.
Variant type: single nucleotide variant.
Coding change: c.797A>G on transcript NM_001382391.1 (MANE Select); coding-DNA position 797, A replaced by G.
Protein change: p.Asp266Gly; replaces aspartic acid 266 with glycine.
Molecular consequence: missense variant. On other transcripts: 5 prime UTR variant (1).
Genome position (GRCh38, 1-based): chr8:67,095,606, A>G. VCF-style: chr8-67095606-A-G. GRCh37 (hg19) VCF-style: chr8-68007841-A-G.
Other names: c.-59A>G (NM_001291339.2); c.716A>G, p.Asp239Gly (NM_001363131.2, NM_001363133.2); c.797A>G, p.Asp266Gly (NM_001363132.2); c.905A>G, p.Asp302Gly (NM_001364869.1); c.824A>G, p.Asp275Gly (NM_001364870.1, NM_024790.7); short protein forms D239G, D266G, D275G, D302G.
Identifiers: ClinVar variation 1000448 (VCV001000448.8), dbSNP rs1353287068, ClinGen allele CA371191238.
Genomic context (GRCh38, chr8:67,095,606, plus strand): 5'-ATCAAAGGTTTGCAAGCAAGGCTGGCATTCCAGATAGAAGATTTCACAGATTTAATGAGG[A>G]TCGTGTTTTTGATAGACGGTATCATAGACCAGACCAAGATCCTGAAGTAAGTGAAGAAAT-3'
Protein context (NP_001369320.1, residues 256-276): PDRRFHRFNE[Asp266Gly]RVFDRRYHRP